The following is an entry in ClinVar:

ClinVar aggregate classification (germline): Uncertain significance (1 of 4 stars; one submission).

Allele frequency attached by ClinVar (database versions not stated): gnomAD exomes below 0.00001; TOPMed 0.00002; gnomAD 0.00003.
gnomAD v4.1: 6 of 1,613,674 alleles (0.00037%); highest among the groups gnomAD compares: Non-Finnish European, 0.00051%; no homozygotes.

Submission:

Labcorp Genetics (formerly Invitae), Labcorp
Classification: Uncertain significance. Last evaluated: 2024-10-21. Review status: criteria provided, single submitter. Criteria: Invitae Variant Classification Sherloc (09022015). Collection method: clinical testing. Allele origin: germline.
Comment: This sequence change replaces proline, which is neutral and non-polar, with arginine, which is basic and polar, at codon 224 of the LPIN1 protein (p.Pro224Arg). This variant is not present in population databases (gnomAD no frequency). This variant has not been reported in the literature in individuals affected with LPIN1-related conditions. ClinVar contains an entry for this variant (Variation ID: 1361488). Invitae Evidence Modeling of protein sequence and biophysical properties (such as structural, functional, and spatial information, amino acid conservation, physicochemical variation, residue mobility, and thermodynamic stability) indicates that this missense variant is not expected to disrupt LPIN1 protein function with a negative predictive value of 80%. In summary, the available evidence is currently insufficient to determine the role of this variant in disease. Therefore, it has been classified as a Variant of Uncertain Significance.

NM_001349206.2(LPIN1):c.671C>G (p.Pro224Arg)

Gene: LPIN1 (lipin 1; plus strand). Cytogenetic location: 2p25.1.
Variant type: single nucleotide variant.
Coding change: c.671C>G on transcript NM_001349206.2 (MANE Select); coding-DNA position 671, C replaced by G.
Protein change: p.Pro224Arg; replaces proline 224 with arginine.
Molecular consequence: missense variant. On other transcripts: non-coding transcript variant (1).
Genome position (GRCh38, 1-based): chr2:11,773,694, C>G. VCF-style: chr2-11773694-C-G. GRCh37 (hg19) VCF-style: chr2-11913820-C-G.
Other names: c.689C>G, p.Pro230Arg (NM_001261427.3); c.818C>G, p.Pro273Arg (NM_001261428.3, NM_001349208.2); c.671C>G, p.Pro224Arg (NM_001349199.2, NM_001349200.2, NM_001349201.2 and 5 more transcripts); c.761C>G, p.Pro254Arg (NM_001349207.2); short protein forms P254R, P273R, P224R, P230R.
Identifiers: ClinVar variation 1361488 (VCV001361488.6), dbSNP rs1485570579, ClinGen allele CA345854246.